The following is an entry in ClinVar:

ClinVar aggregate classification (germline): Conflicting classifications of pathogenicity. Review status: criteria provided, conflicting classifications (1 of 4 stars). 7 submissions from 7 submitters: Uncertain significance (3); Likely benign (3). 1 of the submissions does not count toward it. Last evaluated 2025-11-12.

Conditions:
Factor I deficiency (CFID). Also called: Complement factor I deficiency. Identifiers: Orphanet 200418, MedGen C3463916, MONDO:0012594, OMIM 610984.
Atypical hemolytic-uremic syndrome with I factor anomaly. Also called: HEMOLYTIC UREMIC SYNDROME, ATYPICAL, SUSCEPTIBILITY TO, 3; AHUS, SUSCEPTIBILITY TO, 3. Identifiers: Orphanet 2134, MedGen C2752039, MONDO:0013041, OMIM 612923.
Age related macular degeneration 13. Identifiers: MedGen C3809523, MONDO:0014189, OMIM 615439.
CFI-related disorder. Also called: CFI-related disorders; CFI-related condition. Identifiers: MedGen CN239325.
Inborn genetic diseases. Identifiers: MedGen C0950123, MeSH D030342.
Macular degeneration, age-related, 13, susceptibility to. Identifiers: MedGen C4016436.

Allele frequency attached by ClinVar (database versions not stated): gnomAD 0.00003 and 0.00002; ESP Exome Variant Server 0.00008; gnomAD exomes 0.00009; ExAC 0.00011; TOPMed 0.00001.
gnomAD v4.1: 47 of 1,613,844 alleles (0.0029%); highest among the groups gnomAD compares: Middle Eastern, 0.05%; no homozygotes.

Submissions (7):

Labcorp Genetics (formerly Invitae), Labcorp
Classification: Likely benign. Last evaluated: 2025-11-12. Review status: criteria provided, single submitter. Criteria: Invitae Variant Classification Sherloc (09022015). Collection method: clinical testing. Allele origin: germline.

Genomenon, Inc
Classification: Uncertain significance for CFI-related disorder. Last evaluated: 2025-09-26. Review status: criteria provided, single submitter. Criteria: Genomenon Sequence Variant Interpretation Standards - Updated. Collection method: curation. Allele origin: germline. Affected: yes.
Comment: CFI p.Val412Met (c.1234G>A) is a missense variant that changes the amino acid at residue 412 from Valine to Methionine. This variant has been observed in at least one proband affected with a CFI-related disorder (PMID:34852172;23731345;30890598;32510551). Functional studies have been reported; however, the significance of the findings remain unclear (PMID:32510551). In conclusion, we classify CFI p.Val412Met (c.1234G>A) as a variant of unknown significance.

Blueprint Genetics
Classification: Uncertain significance. Last evaluated: 2024-10-28. Review status: criteria provided, single submitter. Criteria: ACMG Guidelines, 2015. Collection method: clinical testing. Allele origin: germline.

Genomic Medicine Center of Excellence, King Faisal Specialist Hospital and Research Centre
Classification: Likely benign for Age related macular degeneration 13. Last evaluated: 2024-10-13. Review status: criteria provided, single submitter. Criteria: ACMG Guidelines, 2015. Collection method: clinical testing. Allele origin: germline.
Comment: This variant (GRCh38; NM_000204.5:c.1234G>A:p.Val412Met) results in a missense mutation with the conversion of Valine (Nonpolar amino acid) to Methionine (Nonpolar amino acid) in the CFI protein. Not observed at significant frequency in large population cohorts (gnomAD). Multiple lines of computational evidence of this variant suggest no impact on gene or gene product. Reputable source recently reports variant as benign. This variant is associated with the following publications: PubMed: 25986072, 31635417 Based on conflicting evidence or insufficient data to determine whether the variant is benign or pathogenic, the clinical significance of this alteration remains unclear. In summary, this variant meets our criteria for classification as of Unknown Clinical Significance based on the evidence outlined.

Fulgent Genetics
Classification: Uncertain significance for Factor I deficiency; Atypical hemolytic-uremic syndrome with I factor anomaly; Age related macular degeneration 13. Last evaluated: 2024-02-21. Review status: criteria provided, single submitter. Criteria: ACMG Guidelines, 2015. Collection method: clinical testing. Allele origin: germline.

Ambry Genetics
Classification: Likely benign for Inborn genetic diseases. Last evaluated: 2023-10-11. Review status: criteria provided, single submitter. Criteria: Ambry Variant Classification Scheme 2023. Collection method: clinical testing. Allele origin: germline.

OMIM
Classification: risk factor for MACULAR DEGENERATION, AGE-RELATED, 13, SUSCEPTIBILITY TO. Last evaluated: 2015-07-01. Review status: no assertion criteria provided. Collection method: literature only. Allele origin: germline. Not counted in ClinVar's aggregate classification.

Literature cited by the submitters: PubMed 34852172 (cited by Genomenon, Inc); 23731345 (cited by Genomenon, Inc); 30890598 (cited by Genomenon, Inc); 32510551 (cited by Genomenon, Inc); PubMed 25986072 (cited by OMIM).

NM_000204.5(CFI):c.1234G>A (p.Val412Met)

Gene: CFI (complement factor I; minus strand). Cytogenetic location: 4q25.
Variant type: single nucleotide variant.
Coding change: c.1234G>A on transcript NM_000204.5 (MANE Select); coding-DNA position 1234, G replaced by A.
Protein change: p.Val412Met; replaces valine 412 with methionine.
Molecular consequence: missense variant. On other transcripts: non-coding transcript variant (2).
Genome position (GRCh38, 1-based): chr4:109,746,417, C>T on the plus strand (G>A on the coding strand, the complement: CFI is on the minus strand). VCF-style: chr4-109746417-C-T. GRCh37 (hg19) VCF-style: chr4-110667573-C-T.
Other names: CFI, VAL412MET (rs371432629); c.1234G>A (NM_000204.3); c.1258G>A, p.Val420Met (NM_001318057.2, NM_001375278.1); c.1213G>A, p.Val405Met (NM_001331035.2, NM_001375280.1, NM_001375282.1); c.1234G>A, p.Val412Met (NM_001375279.1, NM_001375281.1); c.1177G>A, p.Val393Met (NM_001375283.1); c.625G>A, p.Val209Met (NM_001375284.1); short protein forms V412M, V420M, V405M, V209M, V393M.
Identifiers: ClinVar variation 217862 (VCV000217862.12), dbSNP rs371432629, ClinGen allele CA210358.